The following is an entry in ClinVar:

NM_001378418.1(TCF20):c.2427G>T (p.Gly809=)

Gene: TCF20 (transcription factor 20; minus strand). Cytogenetic location: 22q13.2.
Variant type: single nucleotide variant.
Coding change: c.2427G>T on transcript NM_001378418.1 (MANE Select); coding-DNA position 2427, G replaced by T.
Protein change: p.Gly809=; no amino-acid change (glycine 809 retained).
Molecular consequence: synonymous variant.
Genome position (GRCh38, 1-based): chr22:42,212,879, C>A on the plus strand (G>T on the coding strand, the complement: TCF20 is on the minus strand). VCF-style: chr22-42212879-C-A. GRCh37 (hg19) VCF-style: chr22-42608885-C-A.
Other names: c.2427G>T, p.Gly809= (NM_005650.4, NM_181492.3).
Identifiers: ClinVar variation 2065699 (VCV002065699.21), dbSNP rs149335938, ClinGen allele CA10267019.

ClinVar aggregate classification (germline): Benign/Likely benign. Review status: criteria provided, multiple submitters, no conflicts (2 of 4 stars). 3 submissions from 3 submitters: Benign (1); Likely benign (2). Last evaluated 2025-12-13.

Allele frequency attached by ClinVar (database versions not stated): ESP Exome Variant Server 0.00008; gnomAD 0.00008; TOPMed 0.00014; ExAC 0.00023.

Submissions (3):

Labcorp Genetics (formerly Invitae), Labcorp
Classification: Benign. Last evaluated: 2025-12-13. Review status: criteria provided, single submitter. Criteria: Invitae Variant Classification Sherloc (09022015). Collection method: clinical testing. Allele origin: germline.

Blueprint Genetics
Classification: Likely benign. Last evaluated: 2024-09-17. Review status: criteria provided, single submitter. Criteria: ACMG Guidelines, 2015. Collection method: clinical testing. Allele origin: germline.

CeGaT Center for Human Genetics Tuebingen
Classification: Likely benign. Last evaluated: 2024-08-01. Review status: criteria provided, single submitter. Criteria: CeGaT Center For Human Genetics Tuebingen Variant Classification Criteria Version 2. Collection method: clinical testing. Allele origin: germline. Affected: yes. Observed: 1 variant allele.
Comment: TCF20: BP4, BP7